The following is an entry in ClinVar:

ClinVar aggregate classification (germline): Uncertain significance (1 of 4 stars; one submission).

Submission:

Labcorp Genetics (formerly Invitae), Labcorp
Classification: Uncertain significance. Last evaluated: 2024-03-20. Review status: criteria provided, single submitter. Criteria: Invitae Variant Classification Sherloc (09022015). Collection method: clinical testing. Allele origin: germline.
Comment: This sequence change replaces arginine, which is basic and polar, with tryptophan, which is neutral and slightly polar, at codon 512 of the IRF2BP2 protein (p.Arg512Trp). This variant is not present in population databases (gnomAD no frequency). This variant has not been reported in the literature in individuals affected with IRF2BP2-related conditions. An algorithm developed to predict the effect of missense changes on protein structure and function (PolyPhen-2) suggests that this variant is likely to be disruptive. In summary, the available evidence is currently insufficient to determine the role of this variant in disease. Therefore, it has been classified as a Variant of Uncertain Significance.

NM_182972.3(IRF2BP2):c.1534C>T (p.Arg512Trp)

Gene: IRF2BP2 (interferon regulatory factor 2 binding protein 2; minus strand). Cytogenetic location: 1q42.3.
Variant type: single nucleotide variant.
Coding change: c.1534C>T on transcript NM_182972.3 (MANE Select); coding-DNA position 1534, C replaced by T.
Protein change: p.Arg512Trp; replaces arginine 512 with tryptophan.
Molecular consequence: missense variant.
Genome position (GRCh38, 1-based): chr1:234,607,367, G>A on the plus strand (C>T on the coding strand, the complement: IRF2BP2 is on the minus strand). VCF-style: chr1-234607367-G-A. GRCh37 (hg19) VCF-style: chr1-234743113-G-A.
Other names: c.1486C>T, p.Arg496Trp (NM_001077397.1); short protein forms R512W, R496W.
Identifiers: ClinVar variation 2976297 (VCV002976297.3), dbSNP rs771961154, ClinGen allele CA39544851.